The following is an entry in ClinVar:

ClinVar aggregate classification (germline): Uncertain significance (1 of 4 stars; one submission).

Submission:

GeneDx
Classification: Uncertain significance. Last evaluated: 2019-05-29. Review status: criteria provided, single submitter. Criteria: GeneDx Variant Classification Process June 2021. Collection method: clinical testing. Allele origin: germline. Affected: yes.
Comment: Not observed in large population cohorts (Lek et al., 2016); In silico analysis, which includes protein predictors and evolutionary conservation, supports a deleterious effect; Has not been previously published as pathogenic or benign to our knowledge

NM_001128840.3(CACNA1D):c.766A>C (p.Ser256Arg)

Gene: CACNA1D (calcium voltage-gated channel subunit alpha1 D; plus strand). Cytogenetic location: 3p21.1.
Variant type: single nucleotide variant.
Coding change: c.766A>C on transcript NM_001128840.3 (MANE Select); coding-DNA position 766, A replaced by C.
Protein change: p.Ser256Arg; replaces serine 256 with arginine.
Molecular consequence: missense variant.
Genome position (GRCh38, 1-based): chr3:53,660,275, A>C. VCF-style: chr3-53660275-A-C. GRCh37 (hg19) VCF-style: chr3-53694302-A-C.
Other names: c.766A>C, p.Ser256Arg (NM_000720.4, NM_001128839.3); short protein forms S256R.
Identifiers: ClinVar variation 1302132 (VCV001302132.2), dbSNP rs2108327577, ClinGen allele CA353382835.